The following is an entry in ClinVar:

ClinVar aggregate classification (germline): Uncertain significance (1 of 4 stars; one submission).

Conditions:
Inborn genetic diseases. Identifiers: MedGen C0950123, MeSH D030342.

Submission:

Ambry Genetics
Classification: Uncertain significance for Inborn genetic diseases. Last evaluated: 2024-12-06. Review status: criteria provided, single submitter. Criteria: Ambry Variant Classification Scheme 2023. Collection method: clinical testing. Allele origin: germline.
Comment: The p.D525V variant (also known as c.1574A>T), located in coding exon 16 of the ANKRD26 gene, results from an A to T substitution at nucleotide position 1574. The aspartic acid at codon 525 is replaced by valine, an amino acid with highly dissimilar properties. This amino acid position is conserved. In addition, this alteration is predicted to be tolerated by in silico analysis. Based on the available evidence, the clinical significance of this variant remains unclear.

NM_014915.3(ANKRD26):c.1574A>T (p.Asp525Val)

Gene: ANKRD26 (ankyrin repeat domain containing 26; minus strand). Cytogenetic location: 10p12.1.
Variant type: single nucleotide variant.
Coding change: c.1574A>T on transcript NM_014915.3 (MANE Select); coding-DNA position 1574, A replaced by T.
Protein change: p.Asp525Val; replaces aspartic acid 525 with valine.
Molecular consequence: missense variant.
Genome position (GRCh38, 1-based): chr10:27,053,381, T>A on the plus strand (A>T on the coding strand, the complement: ANKRD26 is on the minus strand). VCF-style: chr10-27053381-T-A. GRCh37 (hg19) VCF-style: chr10-27342310-T-A.
Other names: c.1574A>T, p.Asp525Val (NM_001256053.2); short protein forms D525V.
Identifiers: ClinVar variation 3397208 (VCV003397208.1).